The following is an entry in ClinVar:

NM_000051.4(ATM):c.7179T>A (p.Phe2393Leu)

Genes: ATM (ATM serine/threonine kinase; plus strand), C11orf65 (chromosome 11 open reading frame 65; minus strand). Cytogenetic location: 11q22.3.
Variant type: single nucleotide variant.
Coding change: c.7179T>A on transcript NM_000051.4 (MANE Select); coding-DNA position 7179, T replaced by A.
Protein change: p.Phe2393Leu; replaces phenylalanine 2393 with leucine.
Molecular consequence: missense variant. On other transcripts: intron variant (2).
Genome position (GRCh38, 1-based): chr11:108,329,110, T>A. VCF-style: chr11-108329110-T-A. GRCh37 (hg19) VCF-style: chr11-108199837-T-A.
Other names: c.7179T>A, p.Phe2393Leu (NM_001351834.2); c.641-20039A>T (NM_001330368.2); c.*38+6110A>T (NM_001351110.2); short protein forms F2393L.
Identifiers: ClinVar variation 1022019 (VCV001022019.9), dbSNP rs1057520430, ClinGen allele CA382559569.
Genomic context (GRCh38, chr11:108,329,110, plus strand): 5'-AGAAAGTAGTGATGAGCTAAGAAATGGAAAAATGAAGGCATTTCTCTCATTAGCCCGGTT[T>A]TCAGATACTCAATACCAAAGAATTGAAAACTACATGAAATCATCGGAATTTGAAAACAAG-3'
Protein context (NP_000042.3, residues 2383-2403): KMKAFLSLAR[Phe2393Leu]SDTQYQRIEN

ClinVar aggregate classification (germline): Uncertain significance (1 of 4 stars; one submission).

Conditions:
Ataxia-telangiectasia syndrome (AT). Also called: Ataxia telangiectasia (A-T); ATAXIA-TELANGIECTASIA, COMPLEMENTATION GROUP A; ATAXIA-TELANGIECTASIA, FRESNO VARIANT; Ataxia-telangiectasia; Ataxia-telangiectasia, complementation group E; LOUIS-BAR SYNDROME. Identifiers: Orphanet 100, MedGen C0004135, MONDO:0008840, OMIM 208900.

Submission:

Labcorp Genetics (formerly Invitae), Labcorp
Classification: Uncertain significance for Ataxia-telangiectasia syndrome. Last evaluated: 2024-08-05. Review status: criteria provided, single submitter. Criteria: Invitae Variant Classification Sherloc (09022015). Collection method: clinical testing. Allele origin: germline.
Comment: This sequence change replaces phenylalanine, which is neutral and non-polar, with leucine, which is neutral and non-polar, at codon 2393 of the ATM protein (p.Phe2393Leu). This variant is not present in population databases (gnomAD no frequency). This variant has not been reported in the literature in individuals affected with ATM-related conditions. ClinVar contains an entry for this variant (Variation ID: 1022019). An algorithm developed to predict the effect of missense changes on protein structure and function (PolyPhen-2) suggests that this variant is likely to be disruptive. In summary, the available evidence is currently insufficient to determine the role of this variant in disease. Therefore, it has been classified as a Variant of Uncertain Significance.